The following is an entry in ClinVar:

NM_003073.5(SMARCB1):c.682T>A (p.Leu228Met)

Gene: SMARCB1 (SWI/SNF related BAF chromatin remodeling complex subunit B1; plus strand). Cytogenetic location: 22q11.23.
Variant type: single nucleotide variant.
Coding change: c.682T>A on transcript NM_003073.5 (MANE Select); coding-DNA position 682, T replaced by A.
Protein change: p.Leu228Met; replaces leucine 228 with methionine.
Molecular consequence: missense variant.
Genome position (GRCh38, 1-based): chr22:23,816,823, T>A. VCF-style: chr22-23816823-T-A. GRCh37 (hg19) VCF-style: chr22-24159010-T-A.
Other names: c.655T>A, p.Leu219Met (NM_001007468.3); c.709T>A, p.Leu237Met (NM_001317946.2); c.736T>A, p.Leu246Met (NM_001362877.2); short protein forms L219M, L228M, L237M, L246M.
Identifiers: ClinVar variation 1716146 (VCV001716146.5), dbSNP rs2146009695, ClinGen allele CA410901291.

ClinVar aggregate classification (germline): Uncertain significance (1 of 4 stars; one submission).

Submission:

Labcorp Genetics (formerly Invitae), Labcorp
Classification: Uncertain significance. Last evaluated: 2022-08-12. Review status: criteria provided, single submitter. Criteria: Invitae Variant Classification Sherloc (09022015). Collection method: clinical testing. Allele origin: germline.
Comment: In summary, the available evidence is currently insufficient to determine the role of this variant in disease. Therefore, it has been classified as a Variant of Uncertain Significance. Algorithms developed to predict the effect of missense changes on protein structure and function are either unavailable or do not agree on the potential impact of this missense change (SIFT: "Tolerated"; PolyPhen-2: "Probably Damaging"; Align-GVGD: "Class C0"). This variant has not been reported in the literature in individuals affected with SMARCB1-related conditions. This variant is not present in population databases (gnomAD no frequency). This sequence change replaces leucine, which is neutral and non-polar, with methionine, which is neutral and non-polar, at codon 228 of the SMARCB1 protein (p.Leu228Met).